The following is an entry in ClinVar:

NM_001035.3(RYR2):c.5668A>G (p.Lys1890Glu)

Gene: RYR2 (ryanodine receptor 2; plus strand). Cytogenetic location: 1q43.
Variant type: single nucleotide variant.
Coding change: c.5668A>G on transcript NM_001035.3 (MANE Select); coding-DNA position 5668, A replaced by G.
Protein change: p.Lys1890Glu; replaces lysine 1890 with glutamic acid.
Molecular consequence: missense variant.
Genome position (GRCh38, 1-based): chr1:237,614,796, A>G. VCF-style: chr1-237614796-A-G. GRCh37 (hg19) VCF-style: chr1-237778096-A-G.
Other names: short protein forms K1890E.
Identifiers: ClinVar variation 3015086 (VCV003015086.3), dbSNP rs2546798522, ClinGen allele CA345405744.

ClinVar aggregate classification (germline): Uncertain significance (1 of 4 stars; one submission).

Conditions:
Catecholaminergic polymorphic ventricular tachycardia 1. Also called: VENTRICULAR TACHYCARDIA, CATECHOLAMINERGIC POLYMORPHIC, 1, WITH OR WITHOUT ATRIAL DYSFUNCTION AND/OR DILATED CARDIOMYOPATHY; VENTRICULAR TACHYCARDIA, STRESS-INDUCED POLYMORPHIC 1; RYR2-Related Catecholaminergic Polymorphic Ventricular Tachycardia. Identifiers: Orphanet 3286, MedGen C1631597, MONDO:0011484, OMIM 604772.

Allele frequency attached by ClinVar (database versions not stated): gnomAD exomes below 0.00001.
gnomAD v4.1: 1 of 1,604,634 alleles (0.000062%); highest among the groups gnomAD compares: Non-Finnish European, 0.000085%; no homozygotes.

Submission:

Labcorp Genetics (formerly Invitae), Labcorp
Classification: Uncertain significance for Catecholaminergic polymorphic ventricular tachycardia 1. Last evaluated: 2023-12-19. Review status: criteria provided, single submitter. Criteria: Invitae Variant Classification Sherloc (09022015). Collection method: clinical testing. Allele origin: germline.
Comment: This sequence change replaces lysine, which is basic and polar, with glutamic acid, which is acidic and polar, at codon 1890 of the RYR2 protein (p.Lys1890Glu). This variant is not present in population databases (gnomAD no frequency). This variant has not been reported in the literature in individuals affected with RYR2-related conditions. Advanced modeling of protein sequence and biophysical properties (such as structural, functional, and spatial information, amino acid conservation, physicochemical variation, residue mobility, and thermodynamic stability) performed at Invitae indicates that this missense variant is not expected to disrupt RYR2 protein function with a negative predictive value of 95%. In summary, the available evidence is currently insufficient to determine the role of this variant in disease. Therefore, it has been classified as a Variant of Uncertain Significance.